The following is an entry in ClinVar:

NM_000171.4(GLRA1):c.777C>G (p.Ser259Arg)

Gene: GLRA1 (glycine receptor alpha 1; minus strand). Cytogenetic location: 5q33.1.
Variant type: single nucleotide variant.
Coding change: c.777C>G on transcript NM_000171.4 (MANE Select); coding-DNA position 777, C replaced by G.
Protein change: p.Ser259Arg; replaces serine 259 with arginine.
Molecular consequence: missense variant.
Genome position (GRCh38, 1-based): chr5:151,851,525, G>C on the plus strand (C>G on the coding strand, the complement: GLRA1 is on the minus strand). VCF-style: chr5-151851525-G-C. GRCh37 (hg19) VCF-style: chr5-151231086-G-C.
Other names: S231R; C1073G; c.777C>G, p.Ser259Arg (NM_001146040.2); c.528C>G, p.Ser176Arg (NM_001292000.2); short protein forms S259R, S176R.
Identifiers: ClinVar variation 16071 (VCV000016071.3), dbSNP rs121918417, ClinGen allele CA341377.

ClinVar aggregate classification (germline): Pathogenic. Review status: no assertion criteria provided (0 of 4 stars). 2 submissions from 2 submitters: Pathogenic (2). Last evaluated 2012-10-04.

Conditions:
Hyperekplexia 1 (STHE). Also called: HYPEREKPLEXIA 1, AUTOSOMAL DOMINANT; HYPEREKPLEXIA 1, AUTOSOMAL RECESSIVE; STARTLE DISEASE, FAMILIAL; STIFF-BABY SYNDROME; STIFF-MAN SYNDROME, CONGENITAL; STIFF-PERSON SYNDROME, CONGENITAL. Identifiers: Orphanet 3197, MedGen C4551954, MONDO:0007868, OMIM 149400.

Submissions (2):

GeneReviews
Classification: Pathogenic for Hyperekplexia. Last evaluated: 2012-10-04. Review status: no assertion criteria provided. Collection method: curation. Allele origin: unknown.
ClinVar note: Converted during submission from pathologic to Pathogenic.

OMIM
Classification: Pathogenic for HYPEREKPLEXIA 1, AUTOSOMAL RECESSIVE. Last evaluated: 2002-03-01. Review status: no assertion criteria provided. Collection method: literature only. Allele origin: germline.

Literature cited by the submitters: PubMed 11973623 (cited by OMIM).